The following is an entry in ClinVar:

NM_018136.5(ASPM):c.8371G>A (p.Gly2791Ser)

Gene: ASPM (assembly factor for spindle microtubules; minus strand). Cytogenetic location: 1q31.3.
Variant type: single nucleotide variant.
Coding change: c.8371G>A on transcript NM_018136.5 (MANE Select); coding-DNA position 8371, G replaced by A.
Protein change: p.Gly2791Ser; replaces glycine 2791 with serine.
Molecular consequence: missense variant. On other transcripts: intron variant (1).
Genome position (GRCh38, 1-based): chr1:197,100,880, C>T on the plus strand (G>A on the coding strand, the complement: ASPM is on the minus strand). VCF-style: chr1-197100880-C-T. GRCh37 (hg19) VCF-style: chr1-197070010-C-T.
Other names: c.4066-4716G>A (NM_001206846.2); short protein forms G2791S.
Identifiers: ClinVar variation 387514 (VCV000387514.8), dbSNP rs966129910, ClinGen allele CA16603502.

ClinVar aggregate classification (germline): Uncertain significance. Review status: criteria provided, multiple submitters, no conflicts (2 of 4 stars). 3 submissions from 3 submitters: Uncertain significance (3). Last evaluated 2025-02-03.

Conditions:
Microcephaly 5, primary, autosomal recessive (MCPH5). Also called: ASPM Primary Microcephaly. Identifiers: Orphanet 2512, MedGen C1837501, MONDO:0012106, OMIM 608716.

Allele frequency attached by ClinVar (database versions not stated): gnomAD exomes below 0.00001; gnomAD 0.00001; TOPMed 0.00005.
gnomAD v4.1: 2 of 1,612,494 alleles (0.00012%); highest among the groups gnomAD compares: Admixed American, 0.0017%; no homozygotes.

Submissions (3):

Labcorp Genetics (formerly Invitae), Labcorp
Classification: Uncertain significance. Last evaluated: 2025-02-03. Review status: criteria provided, single submitter. Criteria: Invitae Variant Classification Sherloc (09022015). Collection method: clinical testing. Allele origin: germline.
Comment: This sequence change replaces glycine, which is neutral and non-polar, with serine, which is neutral and polar, at codon 2791 of the ASPM protein (p.Gly2791Ser). This variant is present in population databases (no rsID available, gnomAD 0.003%). This variant has not been reported in the literature in individuals affected with ASPM-related conditions. ClinVar contains an entry for this variant (Variation ID: 387514). An algorithm developed to predict the effect of missense changes on protein structure and function outputs the following: PolyPhen-2: "Benign". The serine amino acid residue is found in multiple mammalian species, which suggests that this missense change does not adversely affect protein function. In summary, the available evidence is currently insufficient to determine the role of this variant in disease. Therefore, it has been classified as a Variant of Uncertain Significance.

Genome-Nilou Lab
Classification: Uncertain significance for Microcephaly 5, primary, autosomal recessive. Last evaluated: 2023-04-11. Review status: criteria provided, single submitter. Criteria: ACMG Guidelines, 2015. Collection method: clinical testing. Allele origin: germline. Affected: no.

GeneDx
Classification: Uncertain significance. Last evaluated: 2016-07-08. Review status: criteria provided, single submitter. Criteria: GeneDx Variant Classification (06012015). Collection method: clinical testing. Allele origin: germline. Affected: yes.
Comment: A variant of uncertain significance has been identified in the ASPM gene. The G2791S variant has not been published as a pathogenic variant, nor has it been reported as a benign variant to our knowledge. It was not observed in approximately 6,500 individuals of European and African American ancestry in the NHLBI Exome Sequencing Project, indicating it is not a common benign variant in these populations. The G2791S variant is a non-conservative amino acid substitution, which is likely to impact secondary protein structure as these residues differ in polarity, charge, size and/or other properties. However, this substitution occurs at a position that is not conserved and Serine is found at this position in more distantly related species. In silico analysis is inconsistent in its predictions as to whether or not the variant is damaging to the protein structure/function. Therefore, based on the currently available information, it is unclear whether this variant is a pathogenic variant or a rare benign variant.